The following is an entry in ClinVar:

ClinVar aggregate classification (germline): Pathogenic. Review status: criteria provided, multiple submitters, no conflicts (2 of 4 stars). 2 submissions from 2 submitters: Pathogenic (2). Last evaluated 2025-11-17.

Conditions:
Hereditary cancer-predisposing syndrome. Also called: Hereditary Cancer Syndrome; Neoplastic Syndromes, Hereditary; Tumor predisposition; Hereditary neoplastic syndrome. Identifiers: Orphanet 140162, MedGen C0027672, MeSH D009386, MONDO:0015356.

Submissions (2):

Ambry Genetics
Classification: Pathogenic for Hereditary cancer-predisposing syndrome. Last evaluated: 2025-11-17. Review status: criteria provided, single submitter. Criteria: Ambry Variant Classification Scheme 2023. Collection method: clinical testing. Allele origin: germline.
Comment: The c.1765delA pathogenic mutation, located in coding exon 9 of the BRCA1 gene, results from a deletion of one nucleotide at nucleotide position 1765, causing a translational frameshift with a predicted alternate stop codon (p.S589Afs*3). This variant is considered to be rare based on population cohorts in the Genome Aggregation Database (gnomAD). This alteration is expected to result in loss of function by premature protein truncation or nonsense-mediated mRNA decay. As such, this alteration is interpreted as a disease-causing mutation.

Color Diagnostics, LLC DBA Color Health
Classification: Pathogenic for Hereditary cancer-predisposing syndrome. Last evaluated: 2020-05-04. Review status: criteria provided, single submitter. Criteria: ACMG Guidelines, 2015. Collection method: clinical testing. Allele origin: germline.
Comment: This variant deletes 1 nucleotide in exon 10 of the BRCA1 gene, creating a frameshift and premature translation stop signal. This variant is expected to result in an absent or non-functional protein product. To our knowledge, this variant has not been reported in individuals affected with hereditary cancer in the literature. This variant has not been identified in the general population by the Genome Aggregation Database (gnomAD). Loss of BRCA1 function is a known mechanism of disease. Based on the available evidence, this variant is classified as Pathogenic.

NM_007294.4(BRCA1):c.1765del (p.Ser589fs)

Gene: BRCA1 (BRCA1 DNA repair associated; minus strand). Cytogenetic location: 17q21.31.
Variant type: Deletion.
Coding change: c.1765del on transcript NM_007294.4 (MANE Select); coding-DNA position 1765, one base deleted (A; older notation c.1765delA).
Protein change: p.Ser589fs; shifts the reading frame from serine 589.
Molecular consequence: frameshift variant. On other transcripts: intron variant (137).
Genome position (GRCh38, 1-based): chr17:43,093,766, T deleted on the plus strand (A on the coding strand, the reverse complement: BRCA1 is on the minus strand). VCF-style (leftmost placement, unchanged base first): chr17-43093765-CT-C. GRCh37 (hg19) VCF-style: chr17-41245782-CT-C.
Other names: c.1501del, p.Ser501fs (NM_001407926.1, NM_001407927.1, NM_001407928.1 and 9 more transcripts); c.1498del, p.Ser500fs (NM_001407930.1, NM_001407931.1, NM_001407932.1 and 2 more transcripts); c.1642del, p.Ser548fs (NM_001407937.1, NM_001407938.1, NM_001407939.1 and 19 more transcripts); c.1639del, p.Ser547fs (NM_001407940.1, NM_001407941.1, NM_001407649.1 and 11 more transcripts); c.1624del, p.Ser542fs (NM_001407942.1, NM_001407944.1, NM_001407945.1 and 29 more transcripts); c.1621del, p.Ser541fs (NM_001407943.1, NM_001407964.1, NM_001407740.1 and 20 more transcripts); c.1432del, p.Ser478fs (NM_001407946.1, NM_001407947.1, NM_001407948.1 and 6 more transcripts); c.1429del, p.Ser477fs (NM_001407954.1, NM_001407955.1, NM_001407956.1 and 1 more transcripts); and 41 more; short protein forms S589fs, S542fs, S421fs, S461fs, S478fs, S518fs, S563fs, S462fs.
Identifiers: ClinVar variation 491036 (VCV000491036.6), dbSNP rs1555591273, ClinGen allele CA658684113.